The following is an entry in ClinVar:

NM_001330078.2(NRXN1):c.3733G>A (p.Glu1245Lys)

Gene: NRXN1 (neurexin 1; minus strand). Cytogenetic location: 2p16.3.
Variant type: single nucleotide variant.
Coding change: c.3733G>A on transcript NM_001330078.2 (MANE Select); coding-DNA position 3733, G replaced by A.
Protein change: p.Glu1245Lys; replaces glutamic acid 1245 with lysine.
Molecular consequence: missense variant. On other transcripts: intron variant (8).
Genome position (GRCh38, 1-based): chr2:50,055,030, C>T on the plus strand (G>A on the coding strand, the complement: NRXN1 is on the minus strand). VCF-style: chr2-50055030-C-T. GRCh37 (hg19) VCF-style: chr2-50282168-C-T.
Other names: c.3853G>A, p.Glu1285Lys (NM_001135659.3); c.3709G>A, p.Glu1237Lys (NM_001330077.2, NM_001330082.2); c.3667G>A, p.Glu1223Lys (NM_001330084.2); c.3706G>A, p.Glu1236Lys (NM_001330085.2); c.3733G>A, p.Glu1245Lys (NM_001330086.2); c.628G>A, p.Glu210Lys (NM_001330091.2, NM_001330092.2); c.3730G>A, p.Glu1244Lys (NM_001330093.2); c.3721G>A, p.Glu1241Lys (NM_001330094.2); and 6 more; short protein forms E1237K, E1241K, E1236K, E1285K, E210K, E1244K, E1245K, E1223K.
Identifiers: ClinVar variation 936914 (VCV000936914.9), dbSNP rs201152601, ClinGen allele CA1654368.
Genomic context (GRCh38, chr2:50,055,030, plus strand): 5'-ATTCATCAACTACTCGACCAAGTCGATATGGAATTCGCTGTCTAGCAATCGCCAGGCGCT[C>T]GTTATCATTGTTTCCTTTAAAGTTTAAAGAGACATTTCATTGGTTAAAATCTGTAAGGTC-3'
Protein context (NP_001317007.1, residues 1235-1255): ERYPAGNNDN[Glu1245Lys]RLAIARQRIP

ClinVar aggregate classification (germline): Uncertain significance (1 of 4 stars; one submission).

Conditions:
Pitt-Hopkins-like syndrome 2 (PTHSL2). Identifiers: Orphanet 221150, Orphanet 600663, MedGen C3280479, MONDO:0013690, OMIM 614325.

Allele frequency attached by ClinVar (database versions not stated): TOPMed below 0.00001; gnomAD 0.00001; ExAC below 0.00001; gnomAD exomes below 0.00001.
gnomAD v4.1: 6 of 1,597,594 alleles (0.00038%); highest among the groups gnomAD compares: Admixed American, 0.0017%; no homozygotes.

Submission:

Labcorp Genetics (formerly Invitae), Labcorp
Classification: Uncertain significance for Pitt-Hopkins-like syndrome 2. Last evaluated: 2019-07-01. Review status: criteria provided, single submitter. Criteria: Invitae Variant Classification Sherloc (09022015). Collection method: clinical testing. Allele origin: germline.
Comment: The frequency data for this variant in the population databases is considered unreliable, as metrics indicate poor data quality at this position in the ExAC database. In summary, the available evidence is currently insufficient to determine the role of this variant in disease. Therefore, it has been classified as a Variant of Uncertain Significance. Algorithms developed to predict the effect of missense changes on protein structure and function are either unavailable or do not agree on the potential impact of this missense change (SIFT: "Tolerated"; PolyPhen-2: "Possibly Damaging"; Align-GVGD: "Class C0"). This variant has not been reported in the literature in individuals with NRXN1-related conditions. This sequence change replaces glutamic acid with lysine at codon 1285 of the NRXN1 protein (p.Glu1285Lys). The glutamic acid residue is highly conserved and there is a small physicochemical difference between glutamic acid and lysine.